The following is an entry in ClinVar:

NM_000186.4(CFH):c.184G>A (p.Val62Ile)

Gene: CFH (complement factor H; plus strand). Cytogenetic location: 1q31.3.
Variant type: single nucleotide variant.
Coding change: c.184G>A on transcript NM_000186.4 (MANE Select); coding-DNA position 184, G replaced by A.
Protein change: p.Val62Ile; replaces valine 62 with isoleucine.
Molecular consequence: missense variant.
Genome position (GRCh38, 1-based): chr1:196,673,103, G>A. VCF-style: chr1-196673103-G-A. GRCh37 (hg19) VCF-style: chr1-196642233-G-A.
Other names: CFH, ILE62VAL (rs800292); I62V; p.Val62Ile; c.184G>A, p.Val62Ile (NM_001014975.3); short protein forms V62I.
Identifiers: ClinVar variation 16550 (VCV000016550.27), dbSNP rs800292, ClinGen allele CA126660.

ClinVar aggregate classification (germline): Benign/Likely benign. Review status: criteria provided, multiple submitters, no conflicts (2 of 4 stars). 20 submissions from 14 submitters: Benign (16); Likely benign (2). 2 of the submissions do not count toward it. Last evaluated 2026-02-04.

Conditions:
Basal laminar drusen. Also called: DRUSEN OF BRUCH MEMBRANE; DRUSEN, CUTICULAR; DRUSEN, EARLY ADULT-ONSET, GROUPED. Identifiers: Orphanet 75376, MedGen C0730295, MONDO:0007472, OMIM 126700.
Factor H deficiency (CFHD). Also called: CFH DEFICIENCY; COMPLEMENT FACTOR H DEFICIENCY. Identifiers: Orphanet 200421, MedGen C0398777, MONDO:0012350, OMIM 609814.
Age related macular degeneration 4. Identifiers: MedGen C1853147, MONDO:0012540, OMIM 610698.
Atypical hemolytic-uremic syndrome. Identifiers: Orphanet 2134, MedGen C2931788, MONDO:0016244.
Hemolytic uremic syndrome, atypical, susceptibility to, 1. Also called: AHUS, SUSCEPTIBILITY TO, 1. Identifiers: Orphanet 2134, Orphanet 90038, MedGen C2749604, MONDO:0009335, OMIM 235400. Disease mechanism: Other.
CFH-Related Dense Deposit Disease / Membranoproliferative Glomerulonephritis Type II. Identifiers: MedGen CN071292.
Focal segmental glomerulosclerosis (FSGS). Also called: Glomerulosclerosis, focal; Focal sclerosis with hyalinosis. Identifiers: MedGen C0017668, MONDO:0100313, HP:0000097. Disease mechanism: loss of function.

Allele frequency attached by ClinVar (database versions not stated): gnomAD exomes 0.31738; ExAC 0.32095; gnomAD 0.39849 and 0.40446; TOPMed 0.41746; 1000 Genomes Project 0.46805; 1000 Genomes Project 30x 0.46924.
gnomAD v4.1: 441,654 of 1,612,358 alleles (27%); highest among the groups gnomAD compares: African/African-American, 72%; 70,983 homozygotes.

Submissions (20):

Labcorp Genetics (formerly Invitae), Labcorp
Classification: Benign. Last evaluated: 2026-02-04. Review status: criteria provided, single submitter. Criteria: Invitae Variant Classification Sherloc (09022015). Collection method: clinical testing. Allele origin: germline.

Women's Health and Genetics/Laboratory Corporation of America, LabCorp
Classification: Likely benign. Last evaluated: 2026-01-21. Review status: criteria provided, single submitter. Criteria: LabCorp Variant Classification Summary - May 2015. Collection method: clinical testing. Allele origin: germline.

Dasa
Classification: Benign. Last evaluated: 2025-11-20. Review status: criteria provided, single submitter. Criteria: DASA Assertion Criteria. Collection method: clinical testing. Allele origin: germline.
Comment: NM_000186.4(CFH):c.184G>A (p.Val62Ile) is interpreted as benign based on a combination of available evidence, which may include population frequency, observations in unaffected individuals, intact protein function, lack of segregation with disease, in silico models, amino acid conservation, lack of disease association in case-control studies, and/or inconsistency with the known disease mechanism or impacted region. Based on the available data, this variant is classified as benign.

Genomenon, Inc
Classification: Benign for Basal laminar drusen; Age related macular degeneration 4; Atypical hemolytic-uremic syndrome; Factor H deficiency. Last evaluated: 2025-10-02. Review status: criteria provided, single submitter. Criteria: Genomenon Sequence Variant Interpretation Standards - Updated. Collection method: curation. Allele origin: germline. Affected: no.
Comment: CFH p.Val62Ile (c.184G>A) is a missense variant that changes the amino acid at residue 62 from Valine to Isoleucine. This variant has been reported in the published literature (PMID:29959568;26011580;23314101;30238151;31820418;23982707;31312772;27268256;23689905;27490940). This variant is present at high allele frequency in population databases. In conclusion, we classify CFH p.Val62Ile (c.184G>A) as a benign variant.

Blueprint Genetics
Classification: Likely benign. Last evaluated: 2024-11-26. Review status: criteria provided, single submitter. Criteria: ACMG Guidelines, 2015. Collection method: clinical testing. Allele origin: germline.

Genome Diagnostics Laboratory, The Hospital for Sick Children
Classification: Benign for Focal segmental glomerulosclerosis. Last evaluated: 2022-09-27. Review status: criteria provided, single submitter. Criteria: ACMG Guidelines, 2015. Collection method: clinical testing. Allele origin: germline.

Genome-Nilou Lab
Classification: Benign for Basal laminar drusen. Last evaluated: 2021-07-22. Review status: criteria provided, single submitter. Criteria: ACMG Guidelines, 2015. Collection method: clinical testing. Allele origin: germline. Affected: no.

Genome-Nilou Lab
Classification: Benign for Factor H deficiency. Last evaluated: 2021-07-22. Review status: criteria provided, single submitter. Criteria: ACMG Guidelines, 2015. Collection method: clinical testing. Allele origin: germline. Affected: no.

Genome-Nilou Lab
Classification: Benign for Hemolytic uremic syndrome, atypical, susceptibility to, 1. Last evaluated: 2021-07-22. Review status: criteria provided, single submitter. Criteria: ACMG Guidelines, 2015. Collection method: clinical testing. Allele origin: germline. Affected: no.

Genome-Nilou Lab
Classification: Benign for Age related macular degeneration 4. Last evaluated: 2021-07-22. Review status: criteria provided, single submitter. Criteria: ACMG Guidelines, 2015. Collection method: clinical testing. Allele origin: germline. Affected: no.

GeneDx
Classification: Benign. Last evaluated: 2021-05-04. Review status: criteria provided, single submitter. Criteria: GeneDx Variant Classification Process June 2021. Collection method: clinical testing. Allele origin: germline. Affected: yes.
Comment: This variant is associated with the following publications: (PMID: 21106043, 25087612, 20538655, 23274582, 18340363, 19549636, 18421087, 20574013, 24722444, 21270465, 24550392, 22509112, 23441108, 20132989, 19187823, 21397333, 21555552, 16299065, 29686068, 28173125)

Mendelics
Classification: Benign for Basal laminar drusen. Last evaluated: 2019-05-28. Review status: criteria provided, single submitter. Criteria: Mendelics Assertion Criteria 2017. Collection method: clinical testing. Allele origin: unknown.

Mayo Clinic Laboratories, Mayo Clinic
Classification: Benign. Last evaluated: 2018-03-29. Review status: criteria provided, single submitter. Criteria: ACMG Guidelines, 2015. Collection method: clinical testing. Allele origin: germline. Observed: 1,829 variant alleles.

Illumina Laboratory Services, Illumina
Classification: Benign for Basal laminar drusen. Last evaluated: 2017-04-27. Review status: criteria provided, single submitter. Criteria: ICSL Variant Classification Criteria 13 December 2019. Collection method: clinical testing. Allele origin: germline.
Comment: This variant was observed as part of a predisposition screen in an ostensibly healthy population. A literature search was performed for the gene, cDNA change, and amino acid change (where applicable). No publications were found based on this search. Allele frequency data from public databases was too high to be consistent with this variant causing disease. Therefore, this variant is classified as benign.

Illumina Laboratory Services, Illumina
Classification: Benign for Membranoproliferative glomerulonephritis with complement factor h deficiency. Last evaluated: 2017-04-27. Review status: criteria provided, single submitter. Criteria: ICSL Variant Classification Criteria 13 December 2019. Collection method: clinical testing. Allele origin: germline.
Comment: the same text as in the submission from Illumina Laboratory Services, Illumina above.

Illumina Laboratory Services, Illumina
Classification: Benign for Hemolytic uremic syndrome, atypical, susceptibility to, 1. Last evaluated: 2017-04-27. Review status: criteria provided, single submitter. Criteria: ICSL Variant Classification Criteria 13 December 2019. Collection method: clinical testing. Allele origin: germline.
Comment: the same text as in the submission from Illumina Laboratory Services, Illumina above.

Illumina Laboratory Services, Illumina
Classification: Benign for Age related macular degeneration 4. Last evaluated: 2017-04-27. Review status: criteria provided, single submitter. Criteria: ICSL Variant Classification Criteria 13 December 2019. Collection method: clinical testing. Allele origin: germline.
Comment: This variant was observed as part of a predisposition screen in an ostensibly healthy population. A literature search was performed for the gene, cDNA change, and amino acid change (where applicable). Publications were found based on this search. The evidence from the literature, in combination with allele frequency data from public databases where available, was sufficient to rule this variant out of causing disease. Therefore, this variant is classified as benign.

Breakthrough Genomics
Classification: Benign. Review status: criteria provided, single submitter. Criteria: ACMG Guidelines, 2015. Collection method: not provided. Allele origin: germline. Inheritance: Autosomal recessive inheritance. Affected: yes.

OMIM
Classification: risk factor for MACULAR DEGENERATION, AGE-RELATED, 4, SUSCEPTIBILITY TO. Last evaluated: 2011-09-11. Review status: no assertion criteria provided. Collection method: literature only. Allele origin: germline. Not counted in ClinVar's aggregate classification.

Department of Ophthalmology and Visual Sciences Kyoto University
No classification provided. Review status: no classification provided. Collection method: not provided. Allele origin: not provided. Not counted in ClinVar's aggregate classification.

Literature cited by the submitters: PubMed 29959568 (cited by Genomenon, Inc); PubMed 26011580 (cited by Genomenon, Inc); PubMed 23314101 (cited by Genomenon, Inc); PubMed 30238151 (cited by Genomenon, Inc); PubMed 31820418 (cited by Genomenon, Inc); PubMed 23982707 (cited by Genomenon, Inc); PubMed 31312772 (cited by Genomenon, Inc); PubMed 27268256 (cited by Genomenon, Inc); PubMed 23689905 (cited by Genomenon, Inc); PubMed 27490940 (cited by Genomenon, Inc); PubMed 16299065 (cited by Illumina Laboratory Services, Illumina); PubMed 17947292 (cited by Illumina Laboratory Services, Illumina); PubMed 8072530 (cited by Illumina Laboratory Services, Illumina); PubMed 15870199 (cited by OMIM); PubMed 18252712 (cited by OMIM); PubMed 19259132 (cited by OMIM); PubMed 21909106 (cited by OMIM).